The following is an entry in ClinVar:

NM_001037333.3(CYFIP2):c.1218C>G (p.His406Gln)

Gene: CYFIP2 (cytoplasmic FMR1 interacting protein 2; plus strand). Cytogenetic location: 5q33.3.
Variant type: single nucleotide variant.
Coding change: c.1218C>G on transcript NM_001037333.3 (MANE Select); coding-DNA position 1218, C replaced by G.
Protein change: p.His406Gln; replaces histidine 406 with glutamine.
Molecular consequence: missense variant.
Genome position (GRCh38, 1-based): chr5:157,314,451, C>G. VCF-style: chr5-157314451-C-G. GRCh37 (hg19) VCF-style: chr5-156741459-C-G.
Other names: c.1140C>G, p.His380Gln (NM_001291721.2); c.1218C>G, p.His406Gln (NM_001291722.2, NM_014376.4); short protein forms H380Q, H406Q.
Identifiers: ClinVar variation 4805690 (VCV004805690.1).

ClinVar aggregate classification (germline): Uncertain significance (1 of 4 stars; one submission).

Submission:

Labcorp Genetics (formerly Invitae), Labcorp
Classification: Uncertain significance. Last evaluated: 2025-08-19. Review status: criteria provided, single submitter. Criteria: Invitae Variant Classification Sherloc (09022015). Collection method: clinical testing. Allele origin: germline.
Comment: This sequence change replaces histidine, which is basic and polar, with glutamine, which is neutral and polar, at codon 406 of the CYFIP2 protein (p.His406Gln). This variant is not present in population databases (gnomAD no frequency). This variant has not been reported in the literature in individuals affected with CYFIP2-related conditions. Experimental studies and prediction algorithms are not available or were not evaluated, and the functional significance of this variant is currently unknown. In summary, the available evidence is currently insufficient to determine the role of this variant in disease. Therefore, it has been classified as a Variant of Uncertain Significance.